The following is an entry in ClinVar:

ClinVar aggregate classification (germline): Uncertain significance (1 of 4 stars; one submission).

Submission:

Labcorp Genetics (formerly Invitae), Labcorp
Classification: Uncertain significance. Last evaluated: 2021-08-16. Review status: criteria provided, single submitter. Criteria: Invitae Variant Classification Sherloc (09022015). Collection method: clinical testing. Allele origin: germline.
Comment: In summary, the available evidence is currently insufficient to determine the role of this variant in disease. Therefore, it has been classified as a Variant of Uncertain Significance. Algorithms developed to predict the effect of missense changes on protein structure and function (SIFT, PolyPhen-2, Align-GVGD) all suggest that this variant is likely to be tolerated. This variant has not been reported in the literature in individuals affected with IHH-related conditions. This variant is not present in population databases (ExAC no frequency). This sequence change replaces methionine with threonine at codon 232 of the IHH protein (p.Met232Thr). The methionine residue is highly conserved and there is a moderate physicochemical difference between methionine and threonine.

NM_002181.4(IHH):c.695T>C (p.Met232Thr)

Gene: IHH (Indian hedgehog signaling molecule; minus strand). Cytogenetic location: 2q35.
Variant type: single nucleotide variant.
Coding change: c.695T>C on transcript NM_002181.4 (MANE Select); coding-DNA position 695, T replaced by C.
Protein change: p.Met232Thr; replaces methionine 232 with threonine.
Molecular consequence: missense variant.
Genome position (GRCh38, 1-based): chr2:219,055,748, A>G on the plus strand (T>C on the coding strand, the complement: IHH is on the minus strand). VCF-style: chr2-219055748-A-G. GRCh37 (hg19) VCF-style: chr2-219920470-A-G.
Other names: short protein forms M232T.
Identifiers: ClinVar variation 1373285 (VCV001373285.6), dbSNP rs2106307345, ClinGen allele CA350632903.